The following is an entry in ClinVar:

NM_001283009.2(RTEL1):c.2265+1G>T

Genes: RTEL1 (regulator of telomere elongation helicase 1; plus strand), RTEL1-TNFRSF6B (RTEL1-TNFRSF6B readthrough (NMD candidate); plus strand). Cytogenetic location: 20q13.33.
Variant type: single nucleotide variant.
Coding change: c.2265+1G>T on transcript NM_001283009.2 (MANE Select); the canonical splice donor site of the intron after coding-DNA position 2265, G replaced by T.
Molecular consequence: splice donor variant.
Genome position (GRCh38, 1-based): chr20:63,690,211, G>T. VCF-style: chr20-63690211-G-T. GRCh37 (hg19) VCF-style: chr20-62321564-G-T.
Other names: c.1596+1G>T (NM_001283010.1); c.2337+1G>T (NM_032957.5, NM_032957.4); c.2265+1G>T (NM_016434.4).
Identifiers: ClinVar variation 1067185 (VCV001067185.19), dbSNP rs2145431062, ClinGen allele CA409680036.
Genomic context (GRCh38, chr20:63,690,211, plus strand): 5'-GACAACTTTGGCCATGTCATCCGAGACGTGGCCCAGTTCTTCCGTGTTGCCGAGCGAACT[G>T]TGAGTTCCTGCCCAGGGAGGGGATGAGGGTGTTGTCCCCAGAGGAGCCAGAAATGGGTCC-3'

ClinVar aggregate classification (germline): Likely pathogenic. Review status: criteria provided, multiple submitters, no conflicts (2 of 4 stars). 5 submissions from 5 submitters: Likely pathogenic (5). Last evaluated 2024-12-09.

Conditions:
Dyskeratosis congenita, autosomal recessive 5 (DKCB5). Identifiers: MedGen C3554656, MONDO:0014076, OMIM 615190.
Pulmonary fibrosis and/or bone marrow failure, Telomere-related, 3. Also called: PULMONARY FIBROSIS AND/OR BONE MARROW FAILURE SYNDROME, TELOMERE-RELATED, 3. Identifiers: Orphanet 2032, MedGen C4225346, MONDO:0014613, OMIM 616373.
Combined oxidative phosphorylation defect type 24. Also called: Combined oxidative phosphorylation deficiency 24. Identifiers: Orphanet 444458, MedGen C4015643, MONDO:0014547, OMIM 616239.
Dyskeratosis congenita. Identifiers: Orphanet 1775, MedGen C0265965, MONDO:0015780.

Submissions (5):

Natera, Inc.
Classification: Likely pathogenic for Dyskeratosis congenita. Last evaluated: 2024-12-09. Review status: criteria provided, single submitter. Criteria: Natera Variant Classification Schema (03/2026). Collection method: clinical testing. Allele origin: germline.
Comment: The c.2337+1G>T variant in RTEL1 is a canonical splice donor site variant predicted to affect pre-mRNA splicing, which may result in an abnormal transcript and altered protein product. This variant is expected to result in nonsense mediated decay, truncation, or a dysfunctional protein product. This variant is rare in the general population with a frequency below the threshold expected for the associated phenotype(s). Given the available evidence, this variant is classified as Likely Pathogenic.

Fulgent Genetics
Classification: Likely pathogenic for Dyskeratosis congenita, autosomal recessive 5; Pulmonary fibrosis and/or bone marrow failure, Telomere-related, 3. Last evaluated: 2024-02-08. Review status: criteria provided, single submitter. Criteria: ACMG Guidelines, 2015. Collection method: clinical testing. Allele origin: germline.

Neuberg Centre For Genomic Medicine, NCGM
Classification: Likely pathogenic for Combined oxidative phosphorylation defect type 24. Last evaluated: 2024-02-01. Review status: criteria provided, single submitter. Criteria: ACMG Guidelines, 2015. Collection method: clinical testing. Allele origin: germline. Inheritance: Autosomal recessive inheritance.

Baylor Genetics
Classification: Likely pathogenic for Dyskeratosis congenita, autosomal recessive 5. Last evaluated: 2024-01-21. Review status: criteria provided, single submitter. Criteria: ACMG Guidelines, 2015. Collection method: clinical testing. Allele origin: unknown.

Labcorp Genetics (formerly Invitae), Labcorp
Classification: Likely pathogenic for Dyskeratosis congenita, autosomal recessive 5; Pulmonary fibrosis and/or bone marrow failure, Telomere-related, 3. Last evaluated: 2022-12-31. Review status: criteria provided, single submitter. Criteria: Invitae Variant Classification Sherloc (09022015). Collection method: clinical testing. Allele origin: germline.
Comment: In summary, the currently available evidence indicates that the variant is pathogenic, but additional data are needed to prove that conclusively. Therefore, this variant has been classified as Likely Pathogenic. Algorithms developed to predict the effect of sequence changes on RNA splicing suggest that this variant may disrupt the consensus splice site. ClinVar contains an entry for this variant (Variation ID: 1067185). This variant has not been reported in the literature in individuals affected with RTEL1-related conditions. This variant is not present in population databases (gnomAD no frequency). This sequence change affects a donor splice site in intron 25 of the RTEL1 gene. It is expected to disrupt RNA splicing. Variants that disrupt the donor or acceptor splice site typically lead to a loss of protein function (PMID: 16199547), and loss-of-function variants in RTEL1 are known to be pathogenic (PMID: 23453664, 23959892, 25607374).

Literature cited by the submitters: PubMed 16199547 (cited by Labcorp Genetics (formerly Invitae), Labcorp); PubMed 23453664 (cited by Labcorp Genetics (formerly Invitae), Labcorp); PubMed 23959892 (cited by Labcorp Genetics (formerly Invitae), Labcorp); PubMed 25607374 (cited by Labcorp Genetics (formerly Invitae), Labcorp).